The following is an entry in ClinVar:

NM_000059.4(BRCA2):c.7251C>T (p.His2417=)

Gene: BRCA2 (BRCA2 DNA repair associated; plus strand). Cytogenetic location: 13q13.1.
Variant type: single nucleotide variant.
Coding change: c.7251C>T on transcript NM_000059.4 (MANE Select); coding-DNA position 7251, C replaced by T.
Protein change: p.His2417=; no amino-acid change (histidine 2417 retained).
Molecular consequence: synonymous variant.
Genome position (GRCh38, 1-based): chr13:32,355,104, C>T. VCF-style: chr13-32355104-C-T. GRCh37 (hg19) VCF-style: chr13-32929241-C-T.
Identifiers: ClinVar variation 229661 (VCV000229661.16), dbSNP rs876658126, ClinGen allele CA10579730.

ClinVar aggregate classification (germline): Likely benign. Review status: reviewed by expert panel (3 of 4 stars). 4 submissions from 4 submitters: Likely benign (1). 3 of the submissions do not count toward it. Last evaluated 2017-06-29.

Conditions:
BRCA2-related cancer predisposition. Identifiers: MedGen CN377758, MONDO:0700269.
Hereditary cancer-predisposing syndrome. Also called: Hereditary Cancer Syndrome; Neoplastic Syndromes, Hereditary; Tumor predisposition; Hereditary neoplastic syndrome. Identifiers: Orphanet 140162, MedGen C0027672, MeSH D009386, MONDO:0015356.
Breast-ovarian cancer, familial, susceptibility to, 2 (BROVCA2). Also called: BRCA2 Hereditary Breast and Ovarian Cancer. Identifiers: Orphanet 145, MedGen C2675520, MONDO:0012933, OMIM 612555. Disease mechanism: loss of function.
Hereditary breast ovarian cancer syndrome. Also called: Hereditary breast and/or ovarian cancer syndrome; BRCA1- and BRCA2-Associated Hereditary Breast and Ovarian Cancer; Hereditary breast and ovarian cancer syndrome (HBOC); Hereditary breast and ovarian cancer; Hereditary breast and ovarian cancer syndrome; Breast and ovarian cancer. Identifiers: Orphanet 145, MedGen C0677776, MeSH D061325, MONDO:0003582. Disease mechanism: loss of function.

Submissions (4):

Evidence-based Network for the Interpretation of Germline Mutant Alleles (ENIGMA)
Classification: Likely benign for Breast-ovarian cancer, familial, susceptibility to, 2. Last evaluated: 2017-06-29. Review status: reviewed by expert panel. Criteria: ENIGMA BRCA1/2 Classification Criteria (2017-06-29). Collection method: curation. Allele origin: germline.
Comment: Synonymous substitution variant, with low bioinformatic likelihood to result in a splicing aberration (Splicing prior probability 0.02).

Labcorp Genetics (formerly Invitae), Labcorp
Classification: Likely benign for Hereditary breast ovarian cancer syndrome. Last evaluated: 2026-01-28. Review status: criteria provided, single submitter. Criteria: Invitae Variant Classification Sherloc (09022015). Collection method: clinical testing. Allele origin: germline. Not counted in ClinVar's aggregate classification.

Ambry Genetics
Classification: Likely benign for Hereditary cancer-predisposing syndrome. Last evaluated: 2023-07-28. Review status: criteria provided, single submitter. Criteria: Ambry Variant Classification Scheme 2023. Collection method: clinical testing. Allele origin: germline. Not counted in ClinVar's aggregate classification.

Department of Pathology and Laboratory Medicine, Sinai Health System
Classification: Uncertain significance for BRCA2-related cancer predisposition. Last evaluated: 2022-11-02. Review status: criteria provided, single submitter. Criteria: ACMG Guidelines, 2015. Collection method: clinical testing. Allele origin: germline. Affected: no. Not counted in ClinVar's aggregate classification.